The following is an entry in ClinVar:

NM_002878.4(RAD51D):c.911G>A (p.Gly304Asp)

Genes: RAD51L3-RFFL (RAD51L3-RFFL readthrough; minus strand), RAD51D (RAD51 paralog D; minus strand). Cytogenetic location: 17q12.
Variant type: single nucleotide variant.
Coding change: c.911G>A on transcript NM_002878.4 (MANE Select); coding-DNA position 911, G replaced by A.
Protein change: p.Gly304Asp; replaces glycine 304 with aspartic acid.
Molecular consequence: missense variant. On other transcripts: non-coding transcript variant (2).
Genome position (GRCh38, 1-based): chr17:35,101,029, C>T on the plus strand (G>A on the coding strand, the complement: RAD51D is on the minus strand). VCF-style: chr17-35101029-C-T. GRCh37 (hg19) VCF-style: chr17-33428048-C-T.
Other names: c.971G>A, p.Gly324Asp (NM_001142571.2); c.575G>A, p.Gly192Asp (NM_133629.3); short protein forms G304D, G324D, G192D.
Identifiers: ClinVar variation 141707 (VCV000141707.27), dbSNP rs200615280, ClinGen allele CA166188.

ClinVar aggregate classification (germline): Uncertain significance. Review status: criteria provided, multiple submitters, no conflicts (2 of 4 stars). 8 submissions from 8 submitters: Uncertain significance (8). Last evaluated 2026-01-05.

Conditions:
Hereditary cancer-predisposing syndrome. Also called: Neoplastic Syndromes, Hereditary; Tumor predisposition; Hereditary Cancer Syndrome; Hereditary neoplastic syndrome. Identifiers: Orphanet 140162, MedGen C0027672, MeSH D009386, MONDO:0015356.
Breast-ovarian cancer, familial, susceptibility to, 4. Identifiers: Orphanet 145, MedGen C3280345, MONDO:0013669, OMIM 614291.

Allele frequency attached by ClinVar (database versions not stated): TOPMed 0.00001; gnomAD exomes 0.00002 and 0.00003; gnomAD 0.00003; ExAC 0.00004.

Submissions (8):

Labcorp Genetics (formerly Invitae), Labcorp
Classification: Uncertain significance for Breast-ovarian cancer, familial, susceptibility to, 4. Last evaluated: 2026-01-05. Review status: criteria provided, single submitter. Criteria: Invitae Variant Classification Sherloc (09022015). Collection method: clinical testing. Allele origin: germline.
Comment: This sequence change replaces glycine, which is neutral and non-polar, with aspartic acid, which is acidic and polar, at codon 304 of the RAD51D protein (p.Gly304Asp). This variant is present in population databases (rs200615280, gnomAD 0.006%). This variant has not been reported in the literature in individuals affected with RAD51D-related conditions. ClinVar contains an entry for this variant (Variation ID: 141707). Invitae Evidence Modeling of protein sequence and biophysical properties (such as structural, functional, and spatial information, amino acid conservation, physicochemical variation, residue mobility, and thermodynamic stability) indicates that this missense variant is not expected to disrupt RAD51D protein function with a negative predictive value of 80%. In summary, the available evidence is currently insufficient to determine the role of this variant in disease. Therefore, it has been classified as a Variant of Uncertain Significance.

Ambry Genetics
Classification: Uncertain significance for Hereditary cancer-predisposing syndrome. Last evaluated: 2024-11-26. Review status: criteria provided, single submitter. Criteria: Ambry Variant Classification Scheme 2023. Collection method: clinical testing. Allele origin: germline.
Comment: The p.G304D variant (also known as c.911G>A), located in coding exon 10 of the RAD51D gene, results from a G to A substitution at nucleotide position 911. The glycine at codon 304 is replaced by aspartic acid, an amino acid with similar properties. In one study, this alteration was detected in 1/911 breast-ovarian cancer families but not in 1060 population controls (Loveday C et al. Nat. Genet. 2011;43:879-82). This amino acid position is highly conserved in available vertebrate species. In addition, this alteration is predicted to be tolerated by in silico analysis. Since supporting evidence is limited at this time, the clinical significance of this alteration remains unclear.

Color Diagnostics, LLC DBA Color Health
Classification: Uncertain significance for Hereditary cancer-predisposing syndrome. Last evaluated: 2024-06-04. Review status: criteria provided, single submitter. Criteria: ACMG Guidelines, 2015. Collection method: clinical testing. Allele origin: germline.
Comment: This missense variant replaces glycine with aspartic acid at codon 304 of the RAD51D protein. Computational prediction suggests that this variant may not impact protein structure and function. To our knowledge, functional studies have not been reported for this variant. This variant has been reported in an individual affected with breast cancer (PMID: 33471991), an individual that met criteria for hereditary breast and ovarian cancer syndrome (PMID: 21822267), and a family affected with Hodgkin lymphoma (PMID: 35977101). This variant has also been identified in 8/282882 chromosomes in the general population by the Genome Aggregation Database (gnomAD). The available evidence is insufficient to determine the role of this variant in disease conclusively. Therefore, this variant is classified as a Variant of Uncertain Significance.

GeneDx
Classification: Uncertain significance. Last evaluated: 2024-03-14. Review status: criteria provided, single submitter. Criteria: GeneDx Variant Classification Process June 2021. Collection method: clinical testing. Allele origin: germline. Affected: yes.
Comment: In silico analysis supports that this missense variant has a deleterious effect on protein structure/function; Observed in individuals with a personal or family history of breast or ovarian cancer, as well as unaffected control groups, and a father and son both with Hodgkin lymphoma from a single family (PMID: 21822267, 35977101, 33471991); This variant is associated with the following publications: (PMID: 35977101, 21822267, 33471991, 21111057, 14704354, 19327148)

Baylor Genetics
Classification: Uncertain significance for Breast-ovarian cancer, familial, susceptibility to, 4. Last evaluated: 2024-02-06. Review status: criteria provided, single submitter. Criteria: ACMG Guidelines, 2015. Collection method: clinical testing. Allele origin: unknown.

Women's Health and Genetics/Laboratory Corporation of America, LabCorp
Classification: Uncertain significance. Last evaluated: 2023-04-07. Review status: criteria provided, single submitter. Criteria: LabCorp Variant Classification Summary - May 2015. Collection method: clinical testing. Allele origin: germline.
Comment: Variant summary: RAD51D c.911G>A (p.Gly304Asp) results in a non-conservative amino acid change in the encoded protein sequence. Three of five in-silico tools predict a benign effect of the variant on protein function. The variant allele was found at a frequency of 2e-05 in 253602 control chromosomes (gnomAD). The available data on variant occurrences in the general population are insufficient to allow any conclusion about variant significance. c.911G>A has been reported in the literature in individuals affected with Breast/Ovarian Cancer without strong evidence for causality (e.g. Loveday_2011, Dorling_2021). These reports do not provide unequivocal conclusions about association of the variant with Hereditary Breast And Ovarian Cancer Syndrome. To our knowledge, no experimental evidence demonstrating an impact on protein function has been reported. Five ClinVar submitters have assessed the variant since 2014: all five classified the variant as uncertain significance. Based on the evidence outlined above, the variant was classified as uncertain significance.

St. Jude Molecular Pathology, St. Jude Children's Research Hospital
Classification: Uncertain significance for Breast-ovarian cancer, familial, susceptibility to, 4. Last evaluated: 2023-03-23. Review status: criteria provided, single submitter. Criteria: St. Jude Assertion Criteria 2020. Collection method: clinical testing. Allele origin: germline.
Comment: The RAD51D c.911G>A (p.Gly304Asp) missense change has a maximum subpopulation frequency of 0.0062% in gnomAD v2.1.1. The in silico tool REVEL predicts a benign effect on protein function, but to our knowledge this prediction has not been confirmed by functional studies. This variant was identified 1 of 911 individuals with personal and family history of breast and/or ovarian cancer and in 0 of 1060 population controls (PMID: 21822267). It is absent in a database of women older than 70 years of age who have never had cancer (FLOSSIES database). To our knowledge, this variant has not been reported in individuals with Fanconi anemia. In summary, the evidence currently available is insufficient to determine the clinical significance of this variant. It has therefore been classified as of uncertain significance.

Quest Diagnostics Nichols Institute San Juan Capistrano
Classification: Uncertain significance. Last evaluated: 2017-11-20. Review status: criteria provided, single submitter. Criteria: Quest Diagnostics criteria. Collection method: clinical testing. Allele origin: germline.

Literature cited by the submitters: PubMed 21822267 (cited by 3 submitters); PubMed 33471991 (cited by Color Diagnostics, LLC DBA Color Health and Women's Health and Genetics/Laboratory Corporation of America, LabCorp); PubMed 35977101 (cited by Color Diagnostics, LLC DBA Color Health).